The following is an entry in ClinVar:

NM_000059.4(BRCA2):c.8756G>T (p.Gly2919Val)

Gene: BRCA2 (BRCA2 DNA repair associated; plus strand). Cytogenetic location: 13q13.1.
Variant type: single nucleotide variant.
Coding change: c.8756G>T on transcript NM_000059.4 (MANE Select); coding-DNA position 8756, G replaced by T.
Protein change: p.Gly2919Val; replaces glycine 2919 with valine.
Molecular consequence: missense variant.
Genome position (GRCh38, 1-based): chr13:32,379,318, G>T. VCF-style: chr13-32379318-G-T. GRCh37 (hg19) VCF-style: chr13-32953455-G-T.
Other names: short protein forms G2919V.
Identifiers: ClinVar variation 52673 (VCV000052673.43), dbSNP rs80359131, ClinGen allele CA025818.
Genomic context (GRCh38, chr13:32,379,318, plus strand): 5'-AATAGATGGAACTTTTTTGTTCTGATTGCTTTTTATTCCAATATCTTAAATGGTCACAGG[G>T]TTATTTCAGTGAAGAGCAGTTAAGAGCCTTGAATAATCACAGGCAAATGTTGAATGATAA-3'
Protein context (NP_000050.3, residues 2909-2929): KNAADPAYLE[Gly2919Val]YFSEEQLRAL

ClinVar aggregate classification (germline): Conflicting classifications of pathogenicity. Review status: criteria provided, conflicting classifications (1 of 4 stars). 12 submissions from 12 submitters: Uncertain significance (8); Benign (1); Likely benign (1). 2 of the submissions do not count toward it. Last evaluated 2025-12-24.

Conditions:
Hereditary cancer-predisposing syndrome. Also called: Neoplastic Syndromes, Hereditary; Tumor predisposition; Hereditary neoplastic syndrome; Hereditary Cancer Syndrome. Identifiers: Orphanet 140162, MedGen C0027672, MeSH D009386, MONDO:0015356.
Hereditary breast ovarian cancer syndrome. Also called: Hereditary breast and ovarian cancer syndrome; Hereditary breast and ovarian cancer; Hereditary breast and ovarian cancer syndrome (HBOC); Breast and ovarian cancer; Hereditary breast and/or ovarian cancer syndrome; BRCA1- and BRCA2-Associated Hereditary Breast and Ovarian Cancer. Identifiers: Orphanet 145, MedGen C0677776, MeSH D061325, MONDO:0003582. Disease mechanism: loss of function.
BRCA2-related cancer predisposition. Identifiers: MedGen CN377758, MONDO:0700269.
Breast-ovarian cancer, familial, susceptibility to, 2 (BROVCA2). Also called: BRCA2 Hereditary Breast and Ovarian Cancer. Identifiers: Orphanet 145, MedGen C2675520, MONDO:0012933, OMIM 612555. Disease mechanism: loss of function.
Familial cancer of breast. Also called: BREAST CANCER, FAMILIAL; Hereditary breast cancer; hereditary breast carcinoma. Identifiers: Orphanet 227535, MedGen C0346153, MONDO:0016419, OMIM 114480. Disease mechanism: loss of function.

Allele frequency attached by ClinVar (database versions not stated): gnomAD 0.00002; TOPMed 0.00004.
gnomAD v4.1: 13 of 1,613,302 alleles (0.00081%); highest among the groups gnomAD compares: Admixed American, 0.0033%; no homozygotes.

Submissions (12):

Labcorp Genetics (formerly Invitae), Labcorp
Classification: Uncertain significance for Hereditary breast ovarian cancer syndrome. Last evaluated: 2025-12-24. Review status: criteria provided, single submitter. Criteria: Invitae Variant Classification Sherloc (09022015). Collection method: clinical testing. Allele origin: germline.
Comment: This sequence change replaces glycine, which is neutral and non-polar, with valine, which is neutral and non-polar, at codon 2919 of the BRCA2 protein (p.Gly2919Val). This variant is not present in population databases (gnomAD no frequency). This missense change has been observed in individual(s) with breast cancer (PMID: 21520333). ClinVar contains an entry for this variant (Variation ID: 52673). An algorithm developed specifically for the BRCA2 gene suggests that this missense change is likely to be tolerated (PMID: 19043619). RNA analysis performed to evaluate the impact of this missense change on mRNA splicing indicates it does not significantly alter splicing (internal data). In summary, the available evidence is currently insufficient to determine the role of this variant in disease. Therefore, it has been classified as a Variant of Uncertain Significance.

Quest Diagnostics Nichols Institute San Juan Capistrano
Classification: Uncertain significance. Last evaluated: 2025-10-10. Review status: criteria provided, single submitter. Criteria: Quest Diagnostics criteria. Collection method: clinical testing. Allele origin: unknown.
Comment: The BRCA2 c.8756G>T (p.Gly2919Val) variant has been reported in the published literature in a large scale breast cancer association study, in breast cancer cases and reportedly unaffected individuals (PMID: 33471991 (2021), see also LOVD). Functional studies demonstrated that this variant had benign effects in saturation genome editing assays measuring DNA repair-dependent cell survival (PMIDs: 39779848 (2025), 39779857 (2025)). The frequency of this variant in the general population (Genome Aggregation Database) is uninformative in the assessment of its pathogenicity. Analysis of this variant using bioinformatics tools for the prediction of the effect of amino acid changes on protein structure and function yielded conflicting predictions that this variant is benign or damaging. Based on the available information, we are unable to determine the clinical significance of this variant.

Women's Health and Genetics/Laboratory Corporation of America, LabCorp
Classification: Uncertain significance. Last evaluated: 2025-07-03. Review status: criteria provided, single submitter. Criteria: LabCorp Variant Classification Summary - May 2015. Collection method: clinical testing. Allele origin: germline.
Comment: Variant summary: BRCA2 c.8756G>T (p.Gly2919Val) results in a non-conservative amino acid change in the encoded protein sequence. Algorithms developed to predict the effect of missense changes on protein structure and function are either unavailable or do not agree on the potential impact of this missense change. Consensus agreement among computation tools predict no significant impact on normal splicing. However, these predictions have yet to be confirmed by functional studies. The variant was absent in 250484 control chromosomes. The available data on variant occurrences in the general population are insufficient to allow any conclusion about variant significance. To our knowledge, no occurrence of c.8756G>T in individuals affected with Hereditary Breast And Ovarian Cancer Syndrome and no experimental evidence demonstrating its impact on protein function have been reported. The following publications have been ascertained in the context of this evaluation (PMID: 19043619, 21523855). ClinVar contains an entry for this variant (Variation ID: 52673). Based on the evidence outlined above, the variant was classified as uncertain significance.

Ambry Genetics
Classification: Benign for Hereditary cancer-predisposing syndrome. Last evaluated: 2025-05-19. Review status: criteria provided, single submitter. Criteria: Ambry Variant Classification Scheme 2023. Collection method: clinical testing. Allele origin: germline.

Color Diagnostics, LLC DBA Color Health
Classification: Likely benign for Hereditary cancer-predisposing syndrome. Last evaluated: 2024-10-16. Review status: criteria provided, single submitter. Criteria: ACMG Guidelines, 2015. Collection method: clinical testing. Allele origin: germline.

ARUP Laboratories, Molecular Genetics and Genomics, ARUP Laboratories
Classification: Uncertain significance. Last evaluated: 2024-05-31. Review status: criteria provided, single submitter. Criteria: ARUP Molecular Germline Variant Investigation Process 2024. Collection method: clinical testing. Allele origin: germline.
Comment: The BRCA2 c.8756G>T; p.Gly2919Val variant (rs80359131), to our knowledge, is not reported in the medical literature but is reported in ClinVar (Variation ID: 52673). This variant is also absent from the Genome Aggregation Database (v2.1.1), indicating it is not a common polymorphism. Computational analyses are uncertain whether this variant is neutral or deleterious (REVEL: 0.225). Due to limited information, the clinical significance of this variant is uncertain at this time.

GeneDx
Classification: Uncertain significance. Last evaluated: 2024-04-09. Review status: criteria provided, single submitter. Criteria: GeneDx Variant Classification Process June 2021. Collection method: clinical testing. Allele origin: germline. Affected: yes.
Comment: Not observed at significant frequency in large population cohorts (gnomAD); In silico analysis indicates that this missense variant does not alter protein structure/function; Observed in an individual with a personal and family history of cancer undergoing multi-gene panel testing (PMID: 31853058); Also known as 8984G>T; This variant is associated with the following publications: (PMID: 21523855, 24817641, 19043619, 31131967, 31853058, 12228710, 29884841, 32377563, 36922933)

All of Us Research Program, National Institutes of Health
Classification: Uncertain significance for BRCA2-related cancer predisposition. Last evaluated: 2024-02-22. Review status: criteria provided, single submitter. Criteria: ACMG Guidelines, 2015. Collection method: clinical testing. Allele origin: germline. Inheritance: Autosomal dominant inheritance. Observed: 3 variant alleles, 3 heterozygotes.
Comment: This missense variant replaces glycine with valine at codon 2919 of the BRCA2 protein. Computational prediction suggests that this variant may not impact protein structure and function (internally defined REVEL score threshold <= 0.5, PMID: 27666373). To our knowledge, functional studies have not been reported for this variant. This variant has not been reported in individuals affected with hereditary cancer in the literature. This variant has not been identified in the general population by the Genome Aggregation Database (gnomAD). The available evidence is insufficient to determine the role of this variant in disease conclusively. Therefore, this variant is classified as a Variant of Uncertain Significance.

This study involves interpretation of variants in research participants for the purpose of population health screening. Participant phenotype was not available at the time of variant classification. Additional details can be found in publication PMID: 35346344, PMCID: PMC8962531

Baylor Genetics
Classification: Uncertain significance for Familial cancer of breast. Last evaluated: 2024-02-16. Review status: criteria provided, single submitter. Criteria: ACMG Guidelines, 2015. Collection method: clinical testing. Allele origin: unknown.

Department of Pathology and Laboratory Medicine, Sinai Health System
Classification: Uncertain significance for BRCA2-related cancer predisposition. Last evaluated: 2019-10-03. Review status: criteria provided, single submitter. Criteria: ACMG Guidelines, 2015. Collection method: clinical testing. Allele origin: germline. Affected: yes.

Counsyl
Classification: Uncertain significance for Breast-ovarian cancer, familial, susceptibility to, 2. Last evaluated: 2017-03-13. Review status: no assertion criteria provided. Collection method: clinical testing. Allele origin: unknown. Not counted in ClinVar's aggregate classification.

Breast Cancer Information Core (BIC) (BRCA2)
Classification: Uncertain significance for Breast-ovarian cancer, familial 2. Last evaluated: 2003-12-23. Review status: no assertion criteria provided. Collection method: clinical testing. Allele origin: germline. Affected: yes. Observed: 1 variant allele. Not counted in ClinVar's aggregate classification.

Literature cited by the submitters: PubMed 21520333 (cited by Labcorp Genetics (formerly Invitae), Labcorp); PubMed 19043619 (cited by 5 submitters); PubMed 31911673 (cited by Quest Diagnostics Nichols Institute San Juan Capistrano); PubMed 31131967 (cited by Quest Diagnostics Nichols Institute San Juan Capistrano); PubMed 31853058 (cited by Quest Diagnostics Nichols Institute San Juan Capistrano); PubMed 33471991 (cited by Quest Diagnostics Nichols Institute San Juan Capistrano); PubMed 39779848 (cited by Quest Diagnostics Nichols Institute San Juan Capistrano); PubMed 39779857 (cited by Quest Diagnostics Nichols Institute San Juan Capistrano); PubMed 36922933 (cited by Quest Diagnostics Nichols Institute San Juan Capistrano); PubMed 24817641 (cited by Quest Diagnostics Nichols Institute San Juan Capistrano and Counsyl); PubMed 21523855 (cited by 4 submitters).